The following is an entry in ClinVar:

ClinVar aggregate classification (germline): Uncertain significance (1 of 4 stars; one submission).

Conditions:
Immunodeficiency. Identifiers: MedGen C0021051, MONDO:0021094, HP:0002721.

Submission:

Labcorp Genetics (formerly Invitae), Labcorp
Classification: Uncertain significance for Immunodeficiency. Last evaluated: 2022-12-15. Review status: criteria provided, single submitter. Criteria: Invitae Variant Classification Sherloc (09022015). Collection method: clinical testing. Allele origin: germline.
Comment: This sequence change replaces serine, which is neutral and polar, with threonine, which is neutral and polar, at codon 1141 of the NFAT5 protein (p.Ser1141Thr). Algorithms developed to predict the effect of missense changes on protein structure and function are either unavailable or do not agree on the potential impact of this missense change (SIFT: "Deleterious"; PolyPhen-2: "Benign"; Align-GVGD: "Class C0"). In summary, the available evidence is currently insufficient to determine the role of this variant in disease. Therefore, it has been classified as a Variant of Uncertain Significance. This variant has not been reported in the literature in individuals affected with NFAT5-related conditions. This variant is not present in population databases (gnomAD no frequency).

NM_138713.4(NFAT5):c.3703T>A (p.Ser1235Thr)

Gene: NFAT5 (nuclear factor of activated T cells 5; plus strand). Cytogenetic location: 16q22.1.
Variant type: single nucleotide variant.
Coding change: c.3703T>A on transcript NM_138713.4 (MANE Select); coding-DNA position 3703, T replaced by A.
Protein change: p.Ser1235Thr; replaces serine 1235 with threonine.
Molecular consequence: missense variant.
Genome position (GRCh38, 1-based): chr16:69,693,528, T>A. VCF-style: chr16-69693528-T-A. GRCh37 (hg19) VCF-style: chr16-69727431-T-A.
Other names: c.3700T>A, p.Ser1234Thr (NM_001113178.3); c.3028T>A, p.Ser1010Thr (NM_001367709.1); c.3649T>A, p.Ser1217Thr (NM_006599.4); c.3421T>A, p.Ser1141Thr (NM_138714.4, NM_173214.3, NM_173215.3); short protein forms S1234T, S1010T, S1217T, S1141T, S1235T.
Identifiers: ClinVar variation 2819040 (VCV002819040.3), dbSNP rs2544248765, ClinGen allele CA396513597.